The following is an entry in ClinVar:

NM_006206.6(PDGFRA):c.1379C>G (p.Thr460Ser)

Gene: PDGFRA (platelet derived growth factor receptor alpha; plus strand). Cytogenetic location: 4q12.
Variant type: single nucleotide variant.
Coding change: c.1379C>G on transcript NM_006206.6 (MANE Select); coding-DNA position 1379, C replaced by G.
Protein change: p.Thr460Ser; replaces threonine 460 with serine.
Molecular consequence: missense variant.
Genome position (GRCh38, 1-based): chr4:54,273,551, C>G. VCF-style: chr4-54273551-C-G. GRCh37 (hg19) VCF-style: chr4-55139718-C-G.
Other names: c.1379C>G, p.Thr460Ser (NM_001347827.2, NM_001347829.2); c.1454C>G, p.Thr485Ser (NM_001347828.2); c.1418C>G, p.Thr473Ser (NM_001347830.2); short protein forms T473S, T485S, T460S.
Identifiers: ClinVar variation 2748068 (VCV002748068.3), dbSNP rs1213594792, ClinGen allele CA356892447.
Genomic context (GRCh38, chr4:54,273,551, plus strand): 5'-TGACTCTCAGGAATTGGCCCTATACTTAGGCCCTTTTTCTCTCTAGATGTAATAATGAAA[C>G]TTCCTGGACTATTTTGGCCAACAATGTCTCAAACATCATCACGGAGATCCACTCCCGAGA-3'
Protein context (NP_006197.1, residues 450-470): CKDIKKCNNE[Thr460Ser]SWTILANNVS

ClinVar aggregate classification (germline): Uncertain significance (1 of 4 stars; one submission).

Conditions:
Gastrointestinal stromal tumor. Also called: Gastrointestinal stromal tumor, somatic; Gastrointestinal stroma tumor. Identifiers: Orphanet 44890, MedGen C0238198, MeSH D046152, MONDO:0011719, OMIM 606764, HP:0100723.

Submission:

Labcorp Genetics (formerly Invitae), Labcorp
Classification: Uncertain significance for Gastrointestinal stromal tumor. Last evaluated: 2023-07-29. Review status: criteria provided, single submitter. Criteria: Invitae Variant Classification Sherloc (09022015). Collection method: clinical testing. Allele origin: germline.
Comment: This sequence change replaces threonine, which is neutral and polar, with serine, which is neutral and polar, at codon 460 of the PDGFRA protein (p.Thr460Ser). This variant is not present in population databases (gnomAD no frequency). This variant has not been reported in the literature in individuals affected with PDGFRA-related conditions. Advanced modeling of protein sequence and biophysical properties (such as structural, functional, and spatial information, amino acid conservation, physicochemical variation, residue mobility, and thermodynamic stability) performed at Invitae indicates that this missense variant is not expected to disrupt PDGFRA protein function. In summary, the available evidence is currently insufficient to determine the role of this variant in disease. Therefore, it has been classified as a Variant of Uncertain Significance.